The following is an entry in ClinVar:

ClinVar aggregate classification (germline): Uncertain significance. Review status: criteria provided, multiple submitters, no conflicts (2 of 4 stars). 2 submissions from 2 submitters: Uncertain significance (2). Last evaluated 2026-08-01.

Allele frequency attached by ClinVar (database versions not stated): ExAC 0.00015; gnomAD exomes 0.00015; gnomAD 0.00040; 1000 Genomes Project 30x 0.00047; TOPMed 0.00048; 1000 Genomes Project 0.00060.
gnomAD v4.1: 293 of 1,550,798 alleles (0.019%); highest among the groups gnomAD compares: African/African-American, 0.17%; 2 homozygotes.

Submissions (2):

CeGaT Center for Human Genetics Tuebingen
Classification: Uncertain significance. Last evaluated: 2026-08-01. Review status: criteria provided, single submitter. Criteria: CeGaT Center For Human Genetics Tuebingen Variant Classification Criteria Version 2. Collection method: clinical testing. Allele origin: germline. Affected: yes. Observed: 1 variant allele.
Comment: DNHD1: PP2, BP4

Ambry Genetics
Classification: Uncertain significance. Last evaluated: 2024-02-21. Review status: criteria provided, single submitter. Criteria: Ambry Variant Classification Scheme 2023. Collection method: clinical testing. Allele origin: germline.

NM_144666.3(DNHD1):c.2287G>A (p.Glu763Lys)

Gene: DNHD1 (dynein heavy chain domain 1; plus strand). Cytogenetic location: 11p15.4.
Variant type: single nucleotide variant.
Coding change: c.2287G>A on transcript NM_144666.3 (MANE Select); coding-DNA position 2287, G replaced by A.
Protein change: p.Glu763Lys; replaces glutamic acid 763 with lysine.
Molecular consequence: missense variant.
Genome position (GRCh38, 1-based): chr11:6,529,061, G>A. VCF-style: chr11-6529061-G-A. GRCh37 (hg19) VCF-style: chr11-6550291-G-A.
Other names: short protein forms E763K.
Identifiers: ClinVar variation 3084698 (VCV003084698.2), dbSNP rs369157719, ClinGen allele CA5855768.
Genomic context (GRCh38, chr11:6,529,061, plus strand): 5'-TACGTGACGCTGGTGAGCCGCCTGAATGTTTGGCAGGCCCGTGTCTCCAGTATGCCTATC[G>A]AGTTGCTCACAAAAGGCGGGTTGCTGCTACTTAGCTGCCATGATGTACAGGCAGAGATGG-3'
Protein context (NP_653267.2, residues 753-773): WQARVSSMPI[Glu763Lys]LLTKGGLLLL